The following is an entry in ClinVar:

NM_032119.4(ADGRV1):c.9623+89A>G

Gene: ADGRV1 (adhesion G protein-coupled receptor V1; plus strand). Cytogenetic location: 5q14.3.
Variant type: single nucleotide variant.
Coding change: c.9623+89A>G on transcript NM_032119.4 (MANE Select); 89 bases into the intron after coding-DNA position 9623, A replaced by G.
Molecular consequence: intron variant.
Genome position (GRCh38, 1-based): chr5:90,720,312, A>G. VCF-style: chr5-90720312-A-G. GRCh37 (hg19) VCF-style: chr5-90016129-A-G.
Identifiers: ClinVar variation 674382 (VCV000674382.1), dbSNP rs6452906, ClinGen allele CA122808003.

ClinVar aggregate classification (germline): Benign (1 of 4 stars; one submission).

Allele frequency attached by ClinVar (database versions not stated): gnomAD 0.72918 and 0.72925; TOPMed 0.74743; 1000 Genomes Project 30x 0.79419; 1000 Genomes Project 0.79812.
gnomAD v4.1: 527,551 of 779,372 alleles (68%); highest among the groups gnomAD compares: African/African-American, 87%; 182,013 homozygotes.

Submission:

GeneDx
Classification: Benign. Last evaluated: 2018-06-14. Review status: criteria provided, single submitter. Criteria: GeneDx Variant Classification (06012015). Collection method: clinical testing. Allele origin: germline. Affected: yes.
Comment: This variant is considered likely benign or benign based on one or more of the following criteria: it is a conservative change, it occurs at a poorly conserved position in the protein, it is predicted to be benign by multiple in silico algorithms, and/or has population frequency not consistent with disease.